The following is an entry in ClinVar:

NM_053054.4(CATSPER1):c.54C>T (p.Asn18=)

Gene: CATSPER1 (cation channel sperm associated 1; minus strand). Cytogenetic location: 11q13.1.
Variant type: single nucleotide variant.
Coding change: c.54C>T on transcript NM_053054.4 (MANE Select); coding-DNA position 54, C replaced by T.
Protein change: p.Asn18=; no amino-acid change (asparagine 18 retained).
Molecular consequence: synonymous variant.
Genome position (GRCh38, 1-based): chr11:66,026,326, G>A on the plus strand (C>T on the coding strand, the complement: CATSPER1 is on the minus strand). VCF-style: chr11-66026326-G-A. GRCh37 (hg19) VCF-style: chr11-65793797-G-A.
Identifiers: ClinVar variation 305452 (VCV000305452.8), dbSNP rs1893316, ClinGen allele CA6115021.

ClinVar aggregate classification (germline): Benign. Review status: criteria provided, multiple submitters, no conflicts (2 of 4 stars). 3 submissions from 3 submitters: Benign (3). Last evaluated 2018-11-10.

Conditions:
Spermatogenic failure 7. Also called: MALE INFERTILITY, NONSYNDROMIC, AUTOSOMAL RECESSIVE. Identifiers: Orphanet 276234, MedGen C2751811, MONDO:0013070, OMIM 612997.

Allele frequency attached by ClinVar (database versions not stated): ExAC 0.23163; gnomAD exomes 0.24299 and 0.24507; gnomAD 0.19991 and 0.20019; 1000 Genomes Project 30x 0.16146; 1000 Genomes Project 0.16593; ESP Exome Variant Server 0.17824; TOPMed 0.19926.
gnomAD v4.1: 384,978 of 1,613,956 alleles (24%); highest among the groups gnomAD compares: Admixed American, 41%; 50,052 homozygotes.

Submissions (3):

GeneDx
Classification: Benign. Last evaluated: 2018-11-10. Review status: criteria provided, single submitter. Criteria: GeneDx Variant Classification Process June 2021. Collection method: clinical testing. Allele origin: germline. Affected: yes.

Illumina Laboratory Services, Illumina
Classification: Benign for Spermatogenic failure 7. Last evaluated: 2018-01-13. Review status: criteria provided, single submitter. Criteria: ICSL Variant Classification Criteria 13 December 2019. Collection method: clinical testing. Allele origin: germline.
Comment: This variant was observed in the ICSL laboratory as part of a predisposition screen in an ostensibly healthy population. It had not been previously curated by ICSL or reported in the Human Gene Mutation Database (HGMD: prior to June 1st, 2018), and was therefore a candidate for classification through an automated scoring system. Utilizing variant allele frequency, disease prevalence and penetrance estimates, and inheritance mode, an automated score was calculated to assess if this variant is too frequent to cause the disease. Based on the score and internal cut-off values, a variant classified as benign is not then subjected to further curation. The score for this variant resulted in a classification of benign for this disease.

Breakthrough Genomics
Classification: Benign. Review status: criteria provided, single submitter. Criteria: ACMG Guidelines, 2015. Collection method: not provided. Allele origin: germline. Inheritance: Autosomal recessive inheritance. Affected: yes.